The following is an entry in ClinVar:

NM_000128.4(F11):c.756-2A>T

Gene: F11 (coagulation factor XI; plus strand). Cytogenetic location: 4q35.2.
Variant type: single nucleotide variant.
Coding change: c.756-2A>T on transcript NM_000128.4 (MANE Select); the canonical splice acceptor site of the intron before coding-DNA position 756, A replaced by T.
Molecular consequence: splice acceptor variant.
Genome position (GRCh38, 1-based): chr4:186,280,010, A>T. VCF-style: chr4-186280010-A-T. GRCh37 (hg19) VCF-style: chr4-187201164-A-T.
Other names: c.756-2A>T (NM_001440593.1, NM_001440590.1, NM_001440596.1); c.486-2A>T (NM_001440605.1, NM_001440607.1, NM_001440606.1 and 1 more transcripts).
Identifiers: ClinVar variation 5003753 (VCV005003753.1).

ClinVar aggregate classification (germline): Likely pathogenic (1 of 4 stars; one submission).

Conditions:
Hereditary factor XI deficiency disease. Also called: PLASMA THROMBOPLASTIN ANTECEDENT DEFICIENCY; PTA DEFICIENCY; ROSENTHAL SYNDROME; Congenital factor XI deficiency. Identifiers: Orphanet 329, MedGen C0015523, MeSH D005173, MONDO:0012897, OMIM 612416.

Submission:

Myriad Genetics, Inc.
Classification: Likely pathogenic for Hereditary factor XI deficiency disease. Last evaluated: 2026-05-18. Review status: criteria provided, single submitter. Criteria: Myriad Autosomal Dominant, Autosomal Recessive and X-Linked Classification Criteria (2023). Collection method: clinical testing. Allele origin: unknown.
Comment: NM_000128.3(F11):c.756-2A>T is a variant in a canonical splice site classified as likely pathogenic in the context of factor XI deficiency. c.756-2A>T has not been observed in cases with relevant disease. Relevant functional assessments of this variant are not available in the literature. c.756-2A>T has been observed in referenced population frequency databases. In summary, NM_000128.3(F11):c.756-2A>T is a variant in a canonical splice site in a gene where loss of function is a known mechanism of disease and is predicted to disrupt protein function. Please note: this variant was assessed in the context of healthy population screening.